The following is an entry in ClinVar:

NM_014314.4(RIGI):c.1370A>C (p.Gln457Pro)

Gene: RIGI (RNA sensor RIG-I; minus strand). Cytogenetic location: 9p21.1.
Variant type: single nucleotide variant.
Coding change: c.1370A>C on transcript NM_014314.4 (MANE Select); coding-DNA position 1370, A replaced by C.
Protein change: p.Gln457Pro; replaces glutamine 457 with proline.
Molecular consequence: missense variant.
Genome position (GRCh38, 1-based): chr9:32,487,476, T>G on the plus strand (A>C on the coding strand, the complement: RIGI is on the minus strand). VCF-style: chr9-32487476-T-G. GRCh37 (hg19) VCF-style: chr9-32487474-T-G.
Other names: c.1364A>C, p.Gln455Pro (NM_001385907.1); c.1370A>C, p.Gln457Pro (NM_001385909.1); c.929A>C, p.Gln310Pro (NM_001385910.1); c.761A>C, p.Gln254Pro (NM_001385912.1); c.1355A>C, p.Gln452Pro (NM_001385913.1); c.926A>C, p.Gln309Pro (NM_001385914.1); short protein forms Q254P, Q309P, Q452P, Q455P, Q310P, Q457P.
Identifiers: ClinVar variation 1384715 (VCV001384715.6), dbSNP rs2118800737, ClinGen allele CA373155517.

ClinVar aggregate classification (germline): Uncertain significance (1 of 4 stars; one submission).

Submission:

Labcorp Genetics (formerly Invitae), Labcorp
Classification: Uncertain significance. Last evaluated: 2022-08-19. Review status: criteria provided, single submitter. Criteria: Invitae Variant Classification Sherloc (09022015). Collection method: clinical testing. Allele origin: germline.
Comment: This sequence change replaces glutamine, which is neutral and polar, with proline, which is neutral and non-polar, at codon 457 of the DDX58 protein (p.Gln457Pro). This variant is not present in population databases (gnomAD no frequency). This variant has not been reported in the literature in individuals affected with DDX58-related conditions. ClinVar contains an entry for this variant (Variation ID: 1384715). Algorithms developed to predict the effect of missense changes on protein structure and function are either unavailable or do not agree on the potential impact of this missense change (SIFT: "Tolerated"; PolyPhen-2: "Possibly Damaging"; Align-GVGD: "Class C0"). In summary, the available evidence is currently insufficient to determine the role of this variant in disease. Therefore, it has been classified as a Variant of Uncertain Significance.